The following is an entry in ClinVar:

NC_000008.10:g.(?_116426251)_(120844804_?)del

Genes: AARD (alanine and arginine rich domain containing protein; plus strand), CCN3 (cellular communication network factor 3; plus strand), COLEC10 (collectin subfamily member 10; plus strand), EIF3H (eukaryotic translation initiation factor 3 subunit H; minus strand), ENPP2 (ectonucleotide pyrophosphatase/phosphodiesterase 2; minus strand) and 11 more. Cytogenetic location: 8q23.3-24.12.
Variant type: Deletion.
Identifiers: ClinVar variation 3245509 (VCV003245509.1).

ClinVar aggregate classification (germline): Pathogenic (1 of 4 stars; one submission).

Conditions:
Trichorhinophalangeal dysplasia type I (TRPS1). Also called: TRICHORHINOPHALANGEAL SYNDROME, TYPE I; TRPS I. Identifiers: Orphanet 77258, MedGen C0432233, MONDO:0008596, OMIM 190350.
Trichorhinophalangeal syndrome, type III (TRPS3). Also called: SUGIO-KAJII SYNDROME. Identifiers: Orphanet 77258, MedGen C1860823, OMIM 190351, MONDO:0008597.

Submission:

Labcorp Genetics (formerly Invitae), Labcorp
Classification: Pathogenic for Trichorhinophalangeal syndrome, type III; Trichorhinophalangeal dysplasia type I. Last evaluated: 2023-04-07. Review status: criteria provided, single submitter. Criteria: Invitae Variant Classification Sherloc (09022015). Collection method: clinical testing. Allele origin: unknown.
Comment: For these reasons, this variant has been classified as Pathogenic. A similar copy number variant has been observed in individual(s) with TRPS1-related disease (PMID: 25792522; Invitae). A gross deletion of the genomic region encompassing the full coding sequence of the TRPS1 gene has been identified. Loss-of-function variants in TRPS1 are known to be pathogenic (PMID: 11112658). The boundaries of this event are unknown as they extend beyond the assayed region for this gene and therefore may encompass additional genes.

Literature cited by the submitters: PubMed 25792522; PubMed 11112658.